The following is an entry in ClinVar:

ClinVar aggregate classification (germline): Benign/Likely benign. Review status: criteria provided, multiple submitters, no conflicts (2 of 4 stars). 5 submissions from 5 submitters: Benign (3); Likely benign (2). Last evaluated 2025-12-23.

Conditions:
Hypogonadotropic hypogonadism 11 with or without anosmia (HH11). Also called: TACR3-Related GnRH Deficiency; HYPOGONADOTROPIC HYPOGONADISM 11 WITHOUT ANOSMIA. Identifiers: Orphanet 478, MedGen C3553844, MONDO:0013913, OMIM 614840.

Allele frequency attached by ClinVar (database versions not stated): gnomAD exomes 0.00120 and 0.00321; ExAC 0.00412; 1000 Genomes Project 30x 0.01093; 1000 Genomes Project 0.01098; gnomAD 0.01252 and 0.01359; ESP Exome Variant Server 0.01422; TOPMed 0.01425.
gnomAD v4.1: 3,713 of 1,613,392 alleles (0.23%); highest among the groups gnomAD compares: African/African-American, 4.4%; 75 homozygotes.

Submissions (5):

Labcorp Genetics (formerly Invitae), Labcorp
Classification: Benign. Last evaluated: 2025-12-23. Review status: criteria provided, single submitter. Criteria: Invitae Variant Classification Sherloc (09022015). Collection method: clinical testing. Allele origin: germline.

Athena Diagnostics
Classification: Benign. Last evaluated: 2021-05-26. Review status: criteria provided, single submitter. Criteria: Athena Diagnostics criteria. Collection method: clinical testing. Allele origin: unknown.

GeneDx
Classification: Benign. Last evaluated: 2019-05-10. Review status: criteria provided, single submitter. Criteria: GeneDx Variant Classification Process June 2021. Collection method: clinical testing. Allele origin: germline. Affected: yes.

Illumina Laboratory Services, Illumina
Classification: Likely benign for Hypogonadotropic hypogonadism 11 with or without anosmia. Last evaluated: 2018-01-13. Review status: criteria provided, single submitter. Criteria: ICSL Variant Classification Criteria 13 December 2019. Collection method: clinical testing. Allele origin: germline.
Comment: This variant was observed in the ICSL laboratory as part of a predisposition screen in an ostensibly healthy population. It had not been previously curated by ICSL or reported in the Human Gene Mutation Database (HGMD: prior to June 1st, 2018), and was therefore a candidate for classification through an automated scoring system. Utilizing variant allele frequency, disease prevalence and penetrance estimates, and inheritance mode, an automated score was calculated to assess if this variant is too frequent to cause the disease. Based on the score and internal cut-off values, a variant classified as likely benign is not then subjected to further curation. The score for this variant resulted in a classification of likely benign for this disease.

Breakthrough Genomics
Classification: Likely benign. Review status: criteria provided, single submitter. Criteria: ACMG Guidelines, 2015. Collection method: not provided. Allele origin: germline. Inheritance: Autosomal recessive inheritance. Affected: yes.

NM_001059.3(TACR3):c.921A>C (p.Thr307=)

Genes: TACR3 (tachykinin receptor 3; minus strand), TACR3-AS1 (TACR3 antisense RNA 1; plus strand). Cytogenetic location: 4q24.
Variant type: single nucleotide variant.
Coding change: c.921A>C on transcript NM_001059.3 (MANE Select); coding-DNA position 921, A replaced by C.
Protein change: p.Thr307=; no amino-acid change (threonine 307 retained).
Molecular consequence: synonymous variant.
Genome position (GRCh38, 1-based): chr4:103,591,651, T>G on the plus strand (A>C on the coding strand, the complement: TACR3 is on the minus strand). VCF-style: chr4-103591651-T-G. GRCh37 (hg19) VCF-style: chr4-104512808-T-G.
Identifiers: ClinVar variation 709734 (VCV000709734.15), dbSNP rs34550211, ClinGen allele CA3031012.